The following is an entry in ClinVar:

NM_018489.3(ASH1L):c.4730_4741delinsAGGTTCTGT (p.Ile1577_Glu1581delinsLysValLeuTer)

Gene: ASH1L (ASH1 like histone lysine methyltransferase; minus strand). Cytogenetic location: 1q22.
Variant type: Indel.
Coding change: c.4730_4741delinsAGGTTCTGT on transcript NM_018489.3 (MANE Select); coding-DNA positions 4730 to 4741, TTGACTGTTCAG replaced by AGGTTCTGT.
Protein change: p.Ile1577_Glu1581delinsLysValLeuTer.
Molecular consequence: nonsense.
Genome position (GRCh38, 1-based): chr1:155,478,129-155,478,140, CTGAACAGTCAA replaced by ACAGAACCT on the plus strand (TTGACTGTTCAG replaced by AGGTTCTGT on the coding strand, the reverse complement: ASH1L is on the minus strand). VCF-style: chr1-155478129-CTGAACAGTCAA-ACAGAACCT. GRCh37 (hg19) VCF-style: chr1-155447920-CTGAACAGTCAA-ACAGAACCT.
Other names: c.4730_4741delinsAGGTTCTGT, p.Ile1577_Glu1581delinsLysValLeuTer (NM_001366177.2).
Identifiers: ClinVar variation 4891190 (VCV004891190.1).

ClinVar aggregate classification (germline): Uncertain significance (1 of 4 stars; one submission).

Submission:

Greenwood Genetic Center Diagnostic Laboratories, Greenwood Genetic Center
Classification: Uncertain significance. Last evaluated: 2026-06-26. Review status: criteria provided, single submitter. Criteria: ACMG Guidelines, 2015. Collection method: clinical testing. Allele origin: germline.
Comment: PM2